The following is an entry in ClinVar:

ClinVar aggregate classification (germline): Uncertain significance (1 of 4 stars; one submission).

Submission:

GeneDx
Classification: Uncertain significance. Last evaluated: 2025-06-11. Review status: criteria provided, single submitter. Criteria: GeneDx Variant Classification Process June 2021. Collection method: clinical testing. Allele origin: germline. Affected: yes.
Comment: Not observed at significant frequency in large population cohorts (gnomAD); In silico analysis supports that this missense variant has a deleterious effect on protein structure/function; Has not been previously published as pathogenic or benign to our knowledge

NM_006035.4(CDC42BPB):c.4160G>A (p.Cys1387Tyr)

Gene: CDC42BPB (CDC42 binding protein kinase beta; minus strand). Cytogenetic location: 14q32.32.
Variant type: single nucleotide variant.
Coding change: c.4160G>A on transcript NM_006035.4 (MANE Select); coding-DNA position 4160, G replaced by A.
Protein change: p.Cys1387Tyr; replaces cysteine 1387 with tyrosine.
Molecular consequence: missense variant.
Genome position (GRCh38, 1-based): chr14:102,944,139, C>T on the plus strand (G>A on the coding strand, the complement: CDC42BPB is on the minus strand). VCF-style: chr14-102944139-C-T. GRCh37 (hg19) VCF-style: chr14-103410476-C-T.
Other names: c.4082G>A, p.Cys1361Tyr (NM_001411054.1); short protein forms C1361Y, C1387Y.
Identifiers: ClinVar variation 4538036 (VCV004538036.1).
Genomic context (GRCh38, chr14:102,944,139, plus strand): 5'-TTTAGAGGCTGCCCGTCCCCCTGGATGCTCAGCAGGCAGAACCCAGAAGGGTAGCCCACA[C>T]AGAGCCTGTCCCTGAGCACCGCCAGGCACTGCACGCTGCCGGGAGCCACAATCTCATTGA-3'
Protein context (NP_006026.3, residues 1377-1397): QCLAVLRDRL[Cys1387Tyr]VGYPSGFCLL